The following is an entry in ClinVar:

NC_000023.10:g.(?_85119635)_(85223644_?)del

Gene: CHM (CHM Rab escort protein; minus strand). Cytogenetic location: Xq21.2.
Variant type: Deletion.
Identifiers: ClinVar variation 2423005 (VCV002423005.3).

ClinVar aggregate classification (germline): Pathogenic (1 of 4 stars; one submission).

Submission:

Labcorp Genetics (formerly Invitae), Labcorp
Classification: Pathogenic. Last evaluated: 2021-11-10. Review status: criteria provided, single submitter. Criteria: Invitae Variant Classification Sherloc (09022015). Collection method: clinical testing. Allele origin: germline.
Comment: This variant is a gross deletion of the genomic region encompassing exon(s) 5-15 of the CHM gene, which includes the termination codon. This deletion extends beyond the assayed region for this gene and therefore may encompass additional genes. While this deletion is not anticipated to lead to nonsense mediated decay, it is expected to alter mRNA translation or result in a truncated protein product. This variant has not been reported in the literature in individuals affected with CHM-related conditions. This variant disrupts a region of the CHM protein in which other variant(s) (p.Tyr573Cysfs*12) have been determined to be pathogenic (PMID: 26327910; Invitae). This suggests that this is a clinically significant region of the protein, and that variants that disrupt it are likely to be disease-causing. For these reasons, this variant has been classified as Pathogenic.

Literature cited by the submitters: PubMed 26327910.